The following is an entry in ClinVar:

ClinVar aggregate classification (germline): Uncertain significance. Review status: criteria provided, multiple submitters, no conflicts (2 of 4 stars). 2 submissions from 2 submitters: Uncertain significance (2). Last evaluated 2024-02-18.

Conditions:
Inborn genetic diseases. Identifiers: MedGen C0950123, MeSH D030342.
Hereditary sensory and autonomic neuropathy type 7. Also called: Neuropathy, hereditary sensory and autonomic, type VII; HSAN VII. Identifiers: Orphanet 391397, MedGen C3809882, MONDO:0014244, OMIM 615548.
Familial episodic pain syndrome with predominantly lower limb involvement. Also called: Episodic pain syndrome, familial, 3. Identifiers: Orphanet 391384, Orphanet 391392, MedGen C3809899, MONDO:0014247, OMIM 615552.

Allele frequency attached by ClinVar (database versions not stated): TOPMed 0.00005; ESP Exome Variant Server 0.00008; gnomAD exomes 0.00002.
gnomAD v4.1: 22 of 1,612,824 alleles (0.0014%); highest among the groups gnomAD compares: Non-Finnish European, 0.0018%; no homozygotes.

Submissions (2):

Labcorp Genetics (formerly Invitae), Labcorp
Classification: Uncertain significance for Familial episodic pain syndrome with predominantly lower limb involvement; Hereditary sensory and autonomic neuropathy type 7. Last evaluated: 2024-02-18. Review status: criteria provided, single submitter. Criteria: Invitae Variant Classification Sherloc (09022015). Collection method: clinical testing. Allele origin: germline.
Comment: This sequence change replaces proline, which is neutral and non-polar, with leucine, which is neutral and non-polar, at codon 1028 of the SCN11A protein (p.Pro1028Leu). This variant is present in population databases (rs146367296, gnomAD 0.005%). This variant has not been reported in the literature in individuals affected with SCN11A-related conditions. ClinVar contains an entry for this variant (Variation ID: 858306). Advanced modeling of protein sequence and biophysical properties (such as structural, functional, and spatial information, amino acid conservation, physicochemical variation, residue mobility, and thermodynamic stability) performed at Invitae indicates that this missense variant is not expected to disrupt SCN11A protein function with a negative predictive value of 80%. In summary, the available evidence is currently insufficient to determine the role of this variant in disease. Therefore, it has been classified as a Variant of Uncertain Significance.

Ambry Genetics
Classification: Uncertain significance for Inborn genetic diseases. Last evaluated: 2020-09-15. Review status: criteria provided, single submitter. Criteria: Ambry Variant Classification Scheme 2023. Collection method: clinical testing. Allele origin: germline.
Comment: The p.P1028L variant (also known as c.3083C>T), located in coding exon 18 of the SCN11A gene, results from a C to T substitution at nucleotide position 3083. The proline at codon 1028 is replaced by leucine, an amino acid with similar properties. This amino acid position is well conserved in available vertebrate species. In addition, this alteration is predicted to be tolerated by in silico analysis. Since supporting evidence is limited at this time, the clinical significance of this alteration remains unclear.

NM_001349253.2(SCN11A):c.3083C>T (p.Pro1028Leu)

Gene: SCN11A (sodium voltage-gated channel alpha subunit 11; minus strand). Cytogenetic location: 3p22.2.
Variant type: single nucleotide variant.
Coding change: c.3083C>T on transcript NM_001349253.2 (MANE Select); coding-DNA position 3083, C replaced by T.
Protein change: p.Pro1028Leu; replaces proline 1028 with leucine.
Molecular consequence: missense variant.
Genome position (GRCh38, 1-based): chr3:38,883,369, G>A on the plus strand (C>T on the coding strand, the complement: SCN11A is on the minus strand). VCF-style: chr3-38883369-G-A. GRCh37 (hg19) VCF-style: chr3-38924860-G-A.
Other names: c.3083C>T, p.Pro1028Leu (NM_014139.3); short protein forms P1028L.
Identifiers: ClinVar variation 858306 (VCV000858306.7), dbSNP rs146367296, ClinGen allele CA2321875.